The following is an entry in ClinVar:

NM_024411.5(PDYN):c.385A>C (p.Lys129Gln)

Genes: PDYN (prodynorphin; minus strand), PDYN-AS1 (PDYN antisense RNA 1; plus strand). Cytogenetic location: 20p13.
Variant type: single nucleotide variant.
Coding change: c.385A>C on transcript NM_024411.5 (MANE Select); coding-DNA position 385, A replaced by C.
Protein change: p.Lys129Gln; replaces lysine 129 with glutamine.
Molecular consequence: missense variant.
Genome position (GRCh38, 1-based): chr20:1,980,703, T>G on the plus strand (A>C on the coding strand, the complement: PDYN is on the minus strand). VCF-style: chr20-1980703-T-G. GRCh37 (hg19) VCF-style: chr20-1961349-T-G.
Other names: c.385A>C, p.Lys129Gln (NM_001190892.1, NM_001190898.3, NM_001190899.2 and 1 more transcripts); short protein forms K129Q.
Identifiers: ClinVar variation 1716761 (VCV001716761.5), dbSNP rs1987706502, ClinGen allele CA408003260.
Genomic context (GRCh38, chr20:1,980,703, plus strand): 5'-CATCCCTCATCAGCTCAGACTCTGCTCCCTCCCTAAACCCGTCAGAGAGACCCCTGAGCT[T>G]CTCCTCCAGGCTCTTGCTCAGAGTGTTCTCCTTTGTTGAGATACTTGGGAGAAACTTGCT-3'
Protein context (NP_077722.1, residues 119-139): ENTLSKSLEE[Lys129Gln]LRGLSDGFRE

ClinVar aggregate classification (germline): Uncertain significance (1 of 4 stars; one submission).

Allele frequency attached by ClinVar (database versions not stated): gnomAD 0.00001.

Submission:

Labcorp Genetics (formerly Invitae), Labcorp
Classification: Uncertain significance. Last evaluated: 2025-12-08. Review status: criteria provided, single submitter. Criteria: Invitae Variant Classification Sherloc (09022015). Collection method: clinical testing. Allele origin: germline.
Comment: This sequence change replaces lysine, which is basic and polar, with glutamine, which is neutral and polar, at codon 129 of the PDYN protein (p.Lys129Gln). This variant is not present in population databases (gnomAD no frequency). This variant has not been reported in the literature in individuals affected with PDYN-related conditions. ClinVar contains an entry for this variant (Variation ID: 1716761). Invitae Evidence Modeling of protein sequence and biophysical properties (such as structural, functional, and spatial information, amino acid conservation, physicochemical variation, residue mobility, and thermodynamic stability) indicates that this missense variant is not expected to disrupt PDYN protein function with a negative predictive value of 80%. In summary, the available evidence is currently insufficient to determine the role of this variant in disease. Therefore, it has been classified as a Variant of Uncertain Significance.